The following is an entry in ClinVar:

ClinVar aggregate classification (germline): Likely pathogenic (0 of 4 stars; one submission).

Conditions:
JAG1-related disorder. Also called: JAG1-related condition; JAG1-related disorders.

Submission:

PreventionGenetics, part of Exact Sciences
Classification: Likely pathogenic for JAG1-related condition. Last evaluated: 2024-04-25. Review status: no assertion criteria provided. Collection method: clinical testing. Allele origin: germline.
Comment: The JAG1 c.2733C>A variant is predicted to result in premature protein termination (p.Cys911*). To our knowledge, this variant has not been reported in the literature or in a large population database, indicating this variant is rare. Nonsense variants in JAG1 are expected to be pathogenic. This variant is interpreted as likely pathogenic.

NM_000214.3(JAG1):c.2733C>A (p.Cys911Ter)

Gene: JAG1 (jagged canonical Notch ligand 1; minus strand). Cytogenetic location: 20p12.2.
Variant type: single nucleotide variant.
Coding change: c.2733C>A on transcript NM_000214.3 (MANE Select); coding-DNA position 2733, C replaced by A.
Protein change: p.Cys911Ter; replaces cysteine 911 with a stop codon.
Molecular consequence: nonsense.
Genome position (GRCh38, 1-based): chr20:10,641,643, G>T on the plus strand (C>A on the coding strand, the complement: JAG1 is on the minus strand). VCF-style: chr20-10641643-G-T. GRCh37 (hg19) VCF-style: chr20-10622291-G-T.
Other names: short protein forms C911*.
Identifiers: ClinVar variation 3347066 (VCV003347066.1).